The following is an entry in ClinVar:

ClinVar aggregate classification (germline): Conflicting classifications of pathogenicity. Review status: criteria provided, conflicting classifications (1 of 4 stars). 3 submissions from 3 submitters: Uncertain significance (1); Likely benign (2). Last evaluated 2026-01-18.

Conditions:
CEP63-related disorder. Also called: CEP63-related condition.

Allele frequency attached by ClinVar (database versions not stated): gnomAD exomes 0.00006; 1000 Genomes Project 0.00040; 1000 Genomes Project 30x 0.00047; gnomAD 0.00092 and 0.00101; TOPMed 0.00103; ESP Exome Variant Server 0.00115.
gnomAD v4.1: 223 of 1,613,592 alleles (0.014%); highest among the groups gnomAD compares: African/African-American, 0.26%; 1 homozygote.

Submissions (3):

Labcorp Genetics (formerly Invitae), Labcorp
Classification: Likely benign. Last evaluated: 2026-01-18. Review status: criteria provided, single submitter. Criteria: Invitae Variant Classification Sherloc (09022015). Collection method: clinical testing. Allele origin: germline.

PreventionGenetics, part of Exact Sciences
Classification: Likely benign for CEP63-related condition. Last evaluated: 2025-01-16. Review status: criteria provided, single submitter. Criteria: ACMG Guidelines, 2015. Collection method: clinical testing. Allele origin: germline.
Comment: This variant is classified as likely benign based on ACMG/AMP sequence variant interpretation guidelines (Richards et al. 2015 PMID: 25741868, with internal and published modifications).

Eurofins Ntd Llc (ga)
Classification: Uncertain significance. Last evaluated: 2016-05-23. Review status: criteria provided, single submitter. Criteria: EGL Classification Definitions 2015. Collection method: clinical testing. Allele origin: germline. Observed: 1 variant allele, 1 heterozygote.

NM_001353108.3(CEP63):c.905C>G (p.Thr302Ser)

Gene: CEP63 (centrosomal protein 63; plus strand). Cytogenetic location: 3q22.2.
Variant type: single nucleotide variant.
Coding change: c.905C>G on transcript NM_001353108.3 (MANE Select); coding-DNA position 905, C replaced by G.
Protein change: p.Thr302Ser; replaces threonine 302 with serine.
Molecular consequence: missense variant. On other transcripts: non-coding transcript variant (4).
Genome position (GRCh38, 1-based): chr3:134,546,264, C>G. VCF-style: chr3-134546264-C-G. GRCh37 (hg19) VCF-style: chr3-134265106-C-G.
Other names: c.905C>G, p.Thr302Ser (NM_001042383.2, NM_001042384.2, NM_001042400.3 and 13 more transcripts); c.932C>G, p.Thr311Ser (NM_001353118.1); c.821C>G, p.Thr274Ser (NM_001353125.2); c.542C>G, p.Thr181Ser (NM_001353126.2); short protein forms T302S, T181S, T274S, T311S.
Identifiers: ClinVar variation 287199 (VCV000287199.15), dbSNP rs142766824, ClinGen allele CA2628511.